The following is an entry in ClinVar:

ClinVar aggregate classification (germline): Uncertain significance (1 of 4 stars; one submission).

gnomAD v4.1: 33 of 1,614,030 alleles (0.002%); highest among the groups gnomAD compares: South Asian, 0.0066%; no homozygotes.

Submission:

Labcorp Genetics (formerly Invitae), Labcorp
Classification: Uncertain significance. Last evaluated: 2025-12-06. Review status: criteria provided, single submitter. Criteria: Invitae Variant Classification Sherloc (09022015). Collection method: clinical testing. Allele origin: germline.
Comment: This sequence change creates a premature translational stop signal (p.Arg681*) in the UNC45A gene. It is expected to result in an absent or disrupted protein product. However, the current clinical and genetic evidence is not sufficient to establish whether loss-of-function variants in UNC45A cause disease. This variant is present in population databases (rs781776939, gnomAD 0.008%). This variant has not been reported in the literature in individuals affected with UNC45A-related conditions. Algorithms developed to predict the effect of sequence changes on RNA splicing suggest that this variant may disrupt the consensus splice site. In summary, the available evidence is currently insufficient to determine the role of this variant in disease. Therefore, it has been classified as a Variant of Uncertain Significance.

NM_018671.5(UNC45A):c.2041C>T (p.Arg681Ter)

Gene: UNC45A (unc-45 myosin chaperone A; plus strand). Cytogenetic location: 15q26.1.
Variant type: single nucleotide variant.
Coding change: c.2041C>T on transcript NM_018671.5 (MANE Select); coding-DNA position 2041, C replaced by T.
Protein change: p.Arg681Ter; replaces arginine 681 with a stop codon.
Molecular consequence: nonsense.
Genome position (GRCh38, 1-based): chr15:90,949,688, C>T. VCF-style: chr15-90949688-C-T. GRCh37 (hg19) VCF-style: chr15-91492918-C-T.
Other names: c.1996C>T, p.Arg666Ter (NM_001039675.2, NM_001323621.2); c.2041C>T, p.Arg681Ter (NM_001323619.1); c.1606C>T, p.Arg536Ter (NM_001323620.2); short protein forms R681*, R666*, R536*.
Identifiers: ClinVar variation 4694468 (VCV004694468.1).